The following is an entry in ClinVar:

ClinVar aggregate classification (germline): Likely pathogenic. Review status: criteria provided, multiple submitters, no conflicts (2 of 4 stars). 2 submissions from 2 submitters: Likely pathogenic (2). Last evaluated 2025-08-26.

Conditions:
Cardiovascular phenotype. Identifiers: MedGen CN230736.
Dilated cardiomyopathy 1G (CMD1G). Identifiers: Orphanet 154, MedGen C1858763, MONDO:0011400, OMIM 604145.
Autosomal recessive limb-girdle muscular dystrophy type 2J (LGMDR10). Also called: Limb-girdle muscular dystrophy, type 2J; MUSCULAR DYSTROPHY, LIMB-GIRDLE, AUTOSOMAL RECESSIVE 10. Identifiers: Orphanet 140922, MedGen C1837342, MONDO:0012127, OMIM 608807.

Submissions (2):

Ambry Genetics
Classification: Likely pathogenic for Cardiovascular phenotype. Last evaluated: 2025-08-26. Review status: criteria provided, single submitter. Criteria: Ambry Variant Classification Scheme 2023. Collection method: clinical testing. Allele origin: germline.
Comment: The p.Y7556* variant (also known as c.22668C>G), located in coding exon 92 of the TTN gene, results from a C to G substitution at nucleotide position 22668. This changes the amino acid from a tyrosine to a stop codon within coding exon 92. This exon is located in the A-band region of the N2-B isoform of the titin protein and is constitutively expressed in TTN transcripts (percent spliced in or PSI 100%). This variant is considered to be rare based on population cohorts in the Genome Aggregation Database (gnomAD). This variant is expected to result in loss of function by premature protein truncation or nonsense-mediated mRNA decay. While truncating variants in TTN are present in 1-3% of the general population, truncating variants in the A-band are the most common cause of dilated cardiomyopathy (Herman DS et al. N. Engl. J. Med., 2012 Feb;366:619-28; Roberts AM et al. Sci Transl Med, 2015 Jan;7:270ra6). TTN truncating variants encoded in constitutive exons (PSI >90%) have been found to be significantly associated with DCM regardless of their position in titin (Schafer S et al. Nat. Genet., 2017 01;49:46-53; Akhtar MM et al. Circ Heart Fail, 2020 Oct;13:e006832; Massier M et al. Clin Genet, 2025 Jan). Based on the majority of available evidence to date, this variant is likely to be pathogenic.

Labcorp Genetics (formerly Invitae), Labcorp
Classification: Likely pathogenic for Dilated cardiomyopathy 1G; Autosomal recessive limb-girdle muscular dystrophy type 2J. Last evaluated: 2025-05-11. Review status: criteria provided, single submitter. Criteria: Invitae Variant Classification Sherloc (09022015). Collection method: clinical testing. Allele origin: germline.
Comment: This sequence change creates a premature translational stop signal (p.Tyr16621*) in the TTN gene. While this is not anticipated to result in nonsense mediated decay, it is expected to create a truncated TTN protein. This variant is not present in population databases (gnomAD no frequency). This variant has not been reported in the literature in individuals affected with TTN-related conditions. ClinVar contains an entry for this variant (Variation ID: 2025364). Algorithms developed to predict the effect of sequence changes on RNA splicing suggest that this variant may disrupt the consensus splice site. This variant is located in the A band of TTN (PMID: 25589632). Truncating variants in this region are significantly overrepresented in patients affected with dilated cardiomyopathy (PMID: 25589632). Truncating variants in this region have also been reported in individuals affected with autosomal recessive centronuclear myopathy (PMID: 23975875). In summary, the currently available evidence indicates that the variant is pathogenic, but additional data are needed to prove that conclusively. Therefore, this variant has been classified as Likely Pathogenic.

Literature cited by the submitters: PubMed 25589632 (cited by Labcorp Genetics (formerly Invitae), Labcorp); PubMed 23975875 (cited by Labcorp Genetics (formerly Invitae), Labcorp).

NM_001267550.2(TTN):c.49863C>G (p.Tyr16621Ter)

Genes: TTN (titin; minus strand), TTN-AS1 (TTN antisense RNA 1; plus strand). Cytogenetic location: 2q31.2.
Variant type: single nucleotide variant.
Coding change: c.49863C>G on transcript NM_001267550.2 (MANE Select); coding-DNA position 49863, C replaced by G.
Protein change: p.Tyr16621Ter; replaces tyrosine 16621 with a stop codon.
Molecular consequence: nonsense.
Genome position (GRCh38, 1-based): chr2:178,612,858, G>C on the plus strand (C>G on the coding strand, the complement: TTN is on the minus strand). VCF-style: chr2-178612858-G-C. GRCh37 (hg19) VCF-style: chr2-179477585-G-C.
Other names: c.44940C>G, p.Tyr14980Ter (NM_001256850.1); c.22668C>G, p.Tyr7556Ter (NM_003319.4); c.42159C>G, p.Tyr14053Ter (NM_133378.4); c.23043C>G, p.Tyr7681Ter (NM_133432.3); c.23244C>G, p.Tyr7748Ter (NM_133437.4); short protein forms Y14980*, Y16621*, Y7556*, Y7748*, Y14053*, Y7681*.
Identifiers: ClinVar variation 2025364 (VCV002025364.5), dbSNP rs1553699440, ClinGen allele CA309232.